The following is an entry in ClinVar:

NM_001735.3(C5):c.3732G>A (p.Thr1244=)

Gene: C5 (complement C5; minus strand). Cytogenetic location: 9q33.2.
Variant type: single nucleotide variant.
Coding change: c.3732G>A on transcript NM_001735.3 (MANE Select); coding-DNA position 3732, G replaced by A.
Protein change: p.Thr1244=; no amino-acid change (threonine 1244 retained).
Molecular consequence: synonymous variant.
Genome position (GRCh38, 1-based): chr9:120,976,832, C>T on the plus strand (G>A on the coding strand, the complement: C5 is on the minus strand). VCF-style: chr9-120976832-C-T. GRCh37 (hg19) VCF-style: chr9-123739110-C-T.
Other names: c.3750G>A, p.Thr1250= (NM_001317163.2); c.3732G>A (NM_001735.2).
Identifiers: ClinVar variation 1385681 (VCV001385681.10), dbSNP rs201280694, ClinGen allele CA5217397.
Genomic context (GRCh38, chr9:120,976,832, plus strand): 5'-TATATCTTTCAAGTTCAGACTGGTGAGTAAAGCATAGGCAGTTGTTTCTACCATACGTGC[C>T]GTACCAGTGTTAGGTACAGAGCTGTCTTTATGCTGAAGATTGTCTTTCCAAAAACGATAA-3'
Protein context (NP_001726.2, residues 1234-1254): HKDSSVPNTG[Thr1244=]ARMVETTAYA

ClinVar aggregate classification (germline): Conflicting classifications of pathogenicity. Review status: criteria provided, conflicting classifications (1 of 4 stars). 3 submissions from 3 submitters: Uncertain significance (1); Likely benign (2). Last evaluated 2025-02-17.

Conditions:
C5-related disorder. Also called: C5-related condition.
Complement component 5 deficiency. Also called: C5 DEFICIENCY. Identifiers: MedGen C0343047, MONDO:0012295, OMIM 609536.
Eculizumab, poor response to. Identifiers: MedGen C3810402, OMIM 615749.

Allele frequency attached by ClinVar (database versions not stated): ExAC 0.00002; gnomAD exomes 0.00005 and 0.00015; TOPMed 0.00008; gnomAD 0.00010; 1000 Genomes Project 30x 0.00016; 1000 Genomes Project 0.00020.
gnomAD v4.1: 224 of 1,613,906 alleles (0.014%); highest among the groups gnomAD compares: East Asian, 0.067%; no homozygotes.

Submissions (3):

Labcorp Genetics (formerly Invitae), Labcorp
Classification: Likely benign. Last evaluated: 2025-02-17. Review status: criteria provided, single submitter. Criteria: Invitae Variant Classification Sherloc (09022015). Collection method: clinical testing. Allele origin: germline.

PreventionGenetics, part of Exact Sciences
Classification: Likely benign for C5-related condition. Last evaluated: 2024-12-05. Review status: criteria provided, single submitter. Criteria: ACMG Guidelines, 2015. Collection method: clinical testing. Allele origin: germline.
Comment: This variant is classified as likely benign based on ACMG/AMP sequence variant interpretation guidelines (Richards et al. 2015 PMID: 25741868, with internal and published modifications).

Fulgent Genetics
Classification: Uncertain significance for Complement component 5 deficiency; Eculizumab, poor response to. Last evaluated: 2021-12-16. Review status: criteria provided, single submitter. Criteria: ACMG Guidelines, 2015. Collection method: clinical testing. Allele origin: unknown.